The following is an entry in ClinVar:

NM_001378454.1(ALMS1):c.10822C>G (p.Arg3608Gly)

Gene: ALMS1 (ALMS1 centrosome and basal body associated protein; plus strand). Cytogenetic location: 2p13.1.
Variant type: single nucleotide variant.
Coding change: c.10822C>G on transcript NM_001378454.1 (MANE Select); coding-DNA position 10822, C replaced by G.
Protein change: p.Arg3608Gly; replaces arginine 3608 with glycine.
Molecular consequence: missense variant.
Genome position (GRCh38, 1-based): chr2:73,572,699, C>G. VCF-style: chr2-73572699-C-G. GRCh37 (hg19) VCF-style: chr2-73799826-C-G.
Other names: c.10825C>G, p.Arg3609Gly (NM_015120.4); short protein forms R3608G, R3609G.
Identifiers: ClinVar variation 1714295 (VCV001714295.5), dbSNP rs1192396248, ClinGen allele CA347285702.

ClinVar aggregate classification (germline): Uncertain significance (1 of 4 stars; one submission).

Conditions:
Alstrom syndrome (ALMS). Identifiers: Orphanet 64, MedGen C0268425, MONDO:0008763, OMIM 203800.

Submission:

Labcorp Genetics (formerly Invitae), Labcorp
Classification: Uncertain significance for Alstrom syndrome. Last evaluated: 2022-08-03. Review status: criteria provided, single submitter. Criteria: Invitae Variant Classification Sherloc (09022015). Collection method: clinical testing. Allele origin: germline.
Comment: Experimental studies and prediction algorithms are not available or were not evaluated, and the functional significance of this variant is currently unknown. This variant has not been reported in the literature in individuals affected with ALMS1-related conditions. This variant is not present in population databases (gnomAD no frequency). This sequence change replaces arginine, which is basic and polar, with glycine, which is neutral and non-polar, at codon 3609 of the ALMS1 protein (p.Arg3609Gly). In summary, the available evidence is currently insufficient to determine the role of this variant in disease. Therefore, it has been classified as a Variant of Uncertain Significance.